The following is an entry in ClinVar:

ClinVar aggregate classification (germline): Uncertain significance (1 of 4 stars; one submission).

gnomAD v4.1: 3 of 1,614,246 alleles (0.00019%); highest among the groups gnomAD compares: Non-Finnish European, 0.00017%; no homozygotes.

Submission:

GeneDx
Classification: Uncertain significance. Last evaluated: 2024-10-21. Review status: criteria provided, single submitter. Criteria: GeneDx Variant Classification Process June 2021. Collection method: clinical testing. Allele origin: germline. Affected: yes.
Comment: Not observed at significant frequency in large population cohorts (gnomAD); In silico analysis indicates that this missense variant does not alter protein structure/function; Has not been previously published as pathogenic or benign to our knowledge

NM_001393769.1(MED12L):c.5687G>A (p.Arg1896His)

Gene: MED12L (mediator complex subunit 12L; plus strand). Cytogenetic location: 3q25.1.
Variant type: single nucleotide variant.
Coding change: c.5687G>A on transcript NM_001393769.1 (MANE Select); coding-DNA position 5687, G replaced by A.
Protein change: p.Arg1896His; replaces arginine 1896 with histidine.
Molecular consequence: missense variant.
Genome position (GRCh38, 1-based): chr3:151,394,734, G>A. VCF-style: chr3-151394734-G-A. GRCh37 (hg19) VCF-style: chr3-151112522-G-A.
Other names: c.5582G>A, p.Arg1861His (NM_053002.6); short protein forms R1861H, R1896H.
Identifiers: ClinVar variation 3781207 (VCV003781207.1).